The following is an entry in ClinVar:

NM_001105206.3(LAMA4):c.1284A>C (p.Glu428Asp)

Gene: LAMA4 (laminin subunit alpha 4; minus strand). Cytogenetic location: 6q21.
Variant type: single nucleotide variant.
Coding change: c.1284A>C on transcript NM_001105206.3 (MANE Select); coding-DNA position 1284, A replaced by C.
Protein change: p.Glu428Asp; replaces glutamic acid 428 with aspartic acid.
Molecular consequence: missense variant.
Genome position (GRCh38, 1-based): chr6:112,175,386, T>G on the plus strand (A>C on the coding strand, the complement: LAMA4 is on the minus strand). VCF-style: chr6-112175386-T-G. GRCh37 (hg19) VCF-style: chr6-112496588-T-G.
Other names: c.1263A>C, p.Glu421Asp (NM_001105207.3, NM_002290.5); short protein forms E421D, E428D.
Identifiers: ClinVar variation 1763516 (VCV001763516.5), dbSNP rs2547115525, ClinGen allele CA365371812.
Genomic context (GRCh38, chr6:112,175,386, plus strand): 5'-ATCTGCCTCCTCATCCACGAGCTCCCGTTGGGTGAAAAATGGTTGACGGCTTCTAATCTC[T>G]TCAAGCATCTTCTGGGCCAACACCAGCTTCTCAGAGATTTCCTTGGGGCTAAGTTCATGC-3'
Protein context (NP_001098676.2, residues 418-438): EKLVLAQKML[Glu428Asp]EIRSRQPFFT

ClinVar aggregate classification (germline): Uncertain significance. Review status: criteria provided, multiple submitters, no conflicts (2 of 4 stars). 2 submissions from 2 submitters: Uncertain significance (2). Last evaluated 2025-10-13.

Conditions:
Cardiovascular phenotype. Identifiers: MedGen CN230736.
Dilated cardiomyopathy 1JJ (CMD1JJ). Identifiers: Orphanet 154, MedGen C3808935, MONDO:0014095, OMIM 615235.

Allele frequency attached by ClinVar (database versions not stated): gnomAD exomes below 0.00001.
gnomAD v4.1: 1 of 1,614,204 alleles (0.000062%); highest among the groups gnomAD compares: African/African-American, 0.0013%; no homozygotes.

Submissions (2):

Labcorp Genetics (formerly Invitae), Labcorp
Classification: Uncertain significance for Dilated cardiomyopathy 1JJ. Last evaluated: 2025-10-13. Review status: criteria provided, single submitter. Criteria: Invitae Variant Classification Sherloc (09022015). Collection method: clinical testing. Allele origin: germline.
Comment: This sequence change replaces glutamic acid, which is acidic and polar, with aspartic acid, which is acidic and polar, at codon 421 of the LAMA4 protein (p.Glu421Asp). This variant is not present in population databases (gnomAD no frequency). This variant has not been reported in the literature in individuals affected with LAMA4-related conditions. ClinVar contains an entry for this variant (Variation ID: 1763516). Invitae Evidence Modeling of protein sequence and biophysical properties (such as structural, functional, and spatial information, amino acid conservation, physicochemical variation, residue mobility, and thermodynamic stability) indicates that this missense variant is not expected to disrupt LAMA4 protein function with a negative predictive value of 80%. In summary, the available evidence is currently insufficient to determine the role of this variant in disease. Therefore, it has been classified as a Variant of Uncertain Significance.

Ambry Genetics
Classification: Uncertain significance for Cardiovascular phenotype. Last evaluated: 2025-08-06. Review status: criteria provided, single submitter. Criteria: Ambry Variant Classification Scheme 2023. Collection method: clinical testing. Allele origin: germline.
Comment: The p.E421D variant (also known as c.1263A>C), located in coding exon 10 of the LAMA4 gene, results from an A to C substitution at nucleotide position 1263. The glutamic acid at codon 421 is replaced by aspartic acid, an amino acid with highly similar properties. This amino acid position is well conserved in available vertebrate species. In addition, this alteration is predicted to be tolerated by in silico analysis. Since supporting evidence is limited at this time, the clinical significance of this alteration remains unclear.